The following is an entry in ClinVar:

NM_016216.4(DBR1):c.-6G>A

Genes: DBR1 (debranching RNA lariats 1; minus strand), LOC129937648 (ATAC-STARR-seq lymphoblastoid active region 20601; plus strand). Cytogenetic location: 3q22.3.
Variant type: single nucleotide variant.
Coding change: c.-6G>A on transcript NM_016216.4 (MANE Select); 6 bases upstream of the start codon, G replaced by A.
Molecular consequence: 5 prime UTR variant.
Genome position (GRCh38, 1-based): chr3:138,174,801, C>T on the plus strand (G>A on the coding strand, the complement: DBR1 is on the minus strand). VCF-style: chr3-138174801-C-T. GRCh37 (hg19) VCF-style: chr3-137893643-C-T.
Identifiers: ClinVar variation 2654188 (VCV002654188.24), dbSNP rs1324317577, ClinGen allele CA546892083.
Genomic context (GRCh38, chr3:138,174,801, plus strand): 5'-TCTCATAGATCTTATCCAGCTCGCCGTGGCAGCAGCCAGCCACAGCCACCCGCATTCTGC[C>T]GGCCTGAGGAGGTGAGCGCTGCCTGCAACGCCCTACACCACAGCCAGCCCAGGACCGACT-3'

ClinVar aggregate classification (germline): Uncertain significance (1 of 4 stars; one submission).

Allele frequency attached by ClinVar (database versions not stated): TOPMed below 0.00001; gnomAD exomes below 0.00001.
gnomAD v4.1: 5 of 1,609,498 alleles (0.00031%); highest among the groups gnomAD compares: South Asian, 0.0022%; no homozygotes.

Submission:

CeGaT Center for Human Genetics Tuebingen
Classification: Uncertain significance. Last evaluated: 2023-02-01. Review status: criteria provided, single submitter. Criteria: CeGaT Center For Human Genetics Tuebingen Variant Classification Criteria Version 2. Collection method: clinical testing. Allele origin: germline. Affected: yes. Observed: 1 variant allele.
Comment: DBR1: PM2